The following is an entry in ClinVar:

NM_001458.5(FLNC):c.2363C>G (p.Thr788Arg)

Gene: FLNC (filamin C; plus strand). Cytogenetic location: 7q32.1.
Variant type: single nucleotide variant.
Coding change: c.2363C>G on transcript NM_001458.5 (MANE Select); coding-DNA position 2363, C replaced by G.
Protein change: p.Thr788Arg; replaces threonine 788 with arginine.
Molecular consequence: missense variant.
Genome position (GRCh38, 1-based): chr7:128,842,672, C>G. VCF-style: chr7-128842672-C-G. GRCh37 (hg19) VCF-style: chr7-128482726-C-G.
Other names: c.2363C>G, p.Thr788Arg (NM_001127487.2); short protein forms T788R.
Identifiers: ClinVar variation 1021312 (VCV001021312.9), dbSNP rs1010774264, ClinGen allele CA369191359.

ClinVar aggregate classification (germline): Uncertain significance (1 of 4 stars; one submission).

Conditions:
Distal myopathy with posterior leg and anterior hand involvement. Also called: WILLIAMS DISTAL MYOPATHY. Identifiers: Orphanet 63273, MedGen C3279722, MONDO:0013550, OMIM 614065.
Hypertrophic cardiomyopathy 26. Also called: Cardiomyopathy, familial hypertrophic, 26. Identifiers: Orphanet 75249, MedGen C4310749, MONDO:0014883, OMIM 617047.
Myofibrillar myopathy 5. Also called: FILAMINOPATHY, AUTOSOMAL DOMINANT; Filaminopathy (type). Identifiers: Orphanet 171445, MedGen C1836050, MONDO:0012289, OMIM 609524.

gnomAD v4.1: 3 of 1,451,488 alleles (0.00021%); highest among the groups gnomAD compares: Admixed American, 0.0021%; no homozygotes.

Submission:

Labcorp Genetics (formerly Invitae), Labcorp
Classification: Uncertain significance for Distal myopathy with posterior leg and anterior hand involvement; Myofibrillar myopathy 5; Hypertrophic cardiomyopathy 26. Last evaluated: 2022-04-28. Review status: criteria provided, single submitter. Criteria: Invitae Variant Classification Sherloc (09022015). Collection method: clinical testing. Allele origin: germline.
Comment: This sequence change replaces threonine, which is neutral and polar, with arginine, which is basic and polar, at codon 788 of the FLNC protein (p.Thr788Arg). This variant is not present in population databases (gnomAD no frequency). This variant has not been reported in the literature in individuals affected with FLNC-related conditions. ClinVar contains an entry for this variant (Variation ID: 1021312). Algorithms developed to predict the effect of missense changes on protein structure and function are either unavailable or do not agree on the potential impact of this missense change (SIFT: "Deleterious"; PolyPhen-2: "Probably Damaging"; Align-GVGD: "Class C0"). Algorithms developed to predict the effect of sequence changes on RNA splicing suggest that this variant may create or strengthen a splice site. In summary, the available evidence is currently insufficient to determine the role of this variant in disease. Therefore, it has been classified as a Variant of Uncertain Significance.